The following is an entry in ClinVar:

NM_000384.3(APOB):c.5263_5266del (p.Asn1755fs)

Gene: APOB (apolipoprotein B; minus strand). Cytogenetic location: 2p24.1.
Variant type: Deletion.
Coding change: c.5263_5266del on transcript NM_000384.3 (MANE Select); coding-DNA positions 5263 to 5266, 4 bases deleted (AACA; older notation c.5263_5266delAACA).
Protein change: p.Asn1755fs; shifts the reading frame from asparagine 1755.
Molecular consequence: frameshift variant.
Genome position (GRCh38, 1-based): chr2:21,011,602-21,011,605, TGTT deleted on the plus strand (AACA on the coding strand, the reverse complement: APOB is on the minus strand); deleting any 4 consecutive bases within chr2:21,011,602-21,011,608 gives the same sequence; the c. name uses the placement nearest the transcript's 3' end. VCF-style (leftmost placement, unchanged base first): chr2-21011601-CTGTT-C. GRCh37 (hg19) VCF-style: chr2-21234473-CTGTT-C.
Other names: short protein forms N1755fs.
Identifiers: ClinVar variation 17881 (VCV000017881.14), dbSNP rs281865425, ClinGen allele CA022852.

ClinVar aggregate classification (germline): Pathogenic. Review status: criteria provided, multiple submitters, no conflicts (2 of 4 stars). 3 submissions from 3 submitters: Pathogenic (2). 1 of the submissions does not count toward it. Last evaluated 2021-11-09.

Conditions:
Hypercholesterolemia, autosomal dominant, type B (FHCL2). Also called: Familial Hypercholesterolemia Type B; Hyperlipoproteinemia Type IIb; Familial hypercholesterolemia 2; APOB-Related Familial Hypercholesterolemia, Autosomal Dominant; APOLIPOPROTEIN B-100, FAMILIAL DEFECTIVE; APOLIPOPROTEIN B-100, FAMILIAL LIGAND-DEFECTIVE. Identifiers: MedGen C1704417, MONDO:0007751, OMIM 144010.
Familial hypobetalipoproteinemia 1. Also called: APOB-Related Familial Hypobetalipoproteinemia; Hypobetalipoproteinemia, normotriglyceridemic; Acanthocytosis with hypobetalipoproteinemia. Identifiers: MedGen C4551990, MONDO:0014252, OMIM 615558.
Familial hypobetalipoproteinemia (FHBL). Also called: Hypobetalipoproteinemia, familial, associated with apob39; Hypobetalipoproteinemia, familial, associated with apob40; Hypobetalipoproteinemia, familial, associated with apob90 or apob89; Hypobetalipoproteinemia, familial, associated with apob46; Hypobetalipoproteinemia, familial, associated with apob87; Hypobetalipoproteinemia, familial, associated with apob31. Identifiers: MedGen C1862596.

Submissions (3):

Fulgent Genetics
Classification: Pathogenic for Hypercholesterolemia, autosomal dominant, type B; Familial hypobetalipoproteinemia 1. Last evaluated: 2021-11-09. Review status: criteria provided, single submitter. Criteria: ACMG Guidelines, 2015. Collection method: clinical testing. Allele origin: unknown.

Labcorp Genetics (formerly Invitae), Labcorp
Classification: Pathogenic for Familial hypobetalipoproteinemia 1; Hypercholesterolemia, autosomal dominant, type B. Last evaluated: 2019-06-27. Review status: criteria provided, single submitter. Criteria: Invitae Variant Classification Sherloc (09022015). Collection method: clinical testing. Allele origin: germline.
Comment: This sequence change creates a premature translational stop signal (p.Asn1755Valfs*2) in the APOB gene. It is expected to result in an absent or disrupted protein product. This variant is not present in population databases (ExAC no frequency). This variant has been observed to segregate with hypobetalipoproteinemia in a family (PMID: 3473077, 3399894). This variant is also known as 4-bp deletion in the apo-B gene. ClinVar contains an entry for this variant (Variation ID: 17881). Loss-of-function variants in APOB are known to be pathogenic (PMID: 20032471). For these reasons, this variant has been classified as Pathogenic.

OMIM
Classification: Pathogenic for HYPOBETALIPOPROTEINEMIA, FAMILIAL. Last evaluated: 1992-12-01. Review status: no assertion criteria provided. Collection method: literature only. Allele origin: germline. Not counted in ClinVar's aggregate classification.

Literature cited by the submitters: PubMed 3473077 (cited by Labcorp Genetics (formerly Invitae), Labcorp and OMIM); PubMed 3399894 (cited by Labcorp Genetics (formerly Invitae), Labcorp and OMIM); PubMed 20032471 (cited by Labcorp Genetics (formerly Invitae), Labcorp); PubMed 221546 (cited by OMIM); PubMed 1454832 (cited by OMIM).